The following is an entry in ClinVar:

ClinVar aggregate classification (germline): Uncertain significance (1 of 4 stars; one submission).

Conditions:
ABCA3-related disorder. Also called: ABCA3-related condition.

Allele frequency attached by ClinVar (database versions not stated): TOPMed below 0.00001; gnomAD 0.00001; gnomAD exomes 0.00001; ExAC 0.00003.
gnomAD v4.1: 16 of 1,613,092 alleles (0.00099%); highest among the groups gnomAD compares: African/African-American, 0.0067%; no homozygotes.

Submission:

PreventionGenetics, part of Exact Sciences
Classification: Uncertain significance for ABCA3-related condition. Last evaluated: 2023-09-29. Review status: criteria provided, single submitter. Criteria: ACMG Guidelines, 2015. Collection method: clinical testing. Allele origin: germline.
Comment: The ABCA3 c.4018C>T variant is predicted to result in the amino acid substitution p.Arg1340Trp. To our knowledge, this variant has not been reported in the literature. This variant is reported in 0.0065% of alleles in individuals of South Asian descent in gnomAD. At this time, the clinical significance of this variant is uncertain due to the absence of conclusive functional and genetic evidence.

NM_001089.3(ABCA3):c.4018C>T (p.Arg1340Trp)

Gene: ABCA3 (ATP binding cassette subfamily A member 3; minus strand). Cytogenetic location: 16p13.3.
Variant type: single nucleotide variant.
Coding change: c.4018C>T on transcript NM_001089.3 (MANE Select); coding-DNA position 4018, C replaced by T.
Protein change: p.Arg1340Trp; replaces arginine 1340 with tryptophan.
Molecular consequence: missense variant.
Genome position (GRCh38, 1-based): chr16:2,283,203, G>A on the plus strand (C>T on the coding strand, the complement: ABCA3 is on the minus strand). VCF-style: chr16-2283203-G-A. GRCh37 (hg19) VCF-style: chr16-2333204-G-A.
Other names: short protein forms R1340W.
Identifiers: ClinVar variation 2628950 (VCV002628950.1), dbSNP rs760219290, ClinGen allele CA7840306.